The following is an entry in ClinVar:

ClinVar aggregate classification (germline): Pathogenic (1 of 4 stars; one submission).

Conditions:
Hermansky-Pudlak syndrome 3 (HPS3). Identifiers: Orphanet 231512, Orphanet 79430, MedGen C3888001, MONDO:0013555, OMIM 614072.

Submission:

Myriad Genetics, Inc.
Classification: Pathogenic for Hermansky-Pudlak syndrome 3. Last evaluated: 2025-02-16. Review status: criteria provided, single submitter. Criteria: Myriad Autosomal Dominant, Autosomal Recessive and X-Linked Classification Criteria (2023). Collection method: clinical testing. Allele origin: unknown.
Comment: NM_032383.3(HPS3):c.1029_1030delTT(F343Lfs*19) is expected to be pathogenic in the context of Hermansky-Pudlak syndrome, HPS3-related. This variant is predicted to lead to an abnormal or absent protein product due to the creation of a premature termination codon in HPS3, a gene where loss-of-function variants are known to be pathogenic. Please note: this variant was assessed in the context of healthy population screening.

NM_032383.5(HPS3):c.1029_1030del (p.Phe343fs)

Gene: HPS3 (HPS3 biogenesis of lysosomal organelles complex 2 subunit 1; plus strand). Cytogenetic location: 3q24.
Variant type: Deletion.
Coding change: c.1029_1030del on transcript NM_032383.5 (MANE Select); coding-DNA positions 1029 to 1030, 2 bases deleted (TT; older notation c.1029_1030delTT).
Protein change: p.Phe343fs; shifts the reading frame from phenylalanine 343.
Molecular consequence: frameshift variant.
Genome position (GRCh38, 1-based): chr3:149,145,412-149,145,413, TT deleted; deleting any 2 consecutive bases within chr3:149,145,410-149,145,413 gives the same sequence; the c. name uses the placement nearest the transcript's 3' end. VCF-style (leftmost placement, unchanged base first): chr3-149145409-CTT-C. GRCh37 (hg19) VCF-style: chr3-148863196-CTT-C.
Other names: c.534_535del, p.Phe178fs (NM_001308258.2); short protein forms F178fs, F343fs.
Identifiers: ClinVar variation 5014101 (VCV005014101.1).
Genomic context (GRCh38, chr3:149,145,409, plus strand): 5'-TGCAGGTTCTCTTACATCTGATGGAAAAAATTTGTCTCAGGAAAAAGAATTGCTGAGTCT[CTT>C]TTGCTTTTTCTCCTTACCTCATGTGGGCTATCTCTACATGGTTGTCAAATCTGTTGAATT-3'